The following is an entry in ClinVar:

NM_006031.6(PCNT):c.7385A>G (p.Glu2462Gly)

Gene: PCNT (pericentrin; plus strand). Cytogenetic location: 21q22.3.
Variant type: single nucleotide variant.
Coding change: c.7385A>G on transcript NM_006031.6 (MANE Select); coding-DNA position 7385, A replaced by G.
Protein change: p.Glu2462Gly; replaces glutamic acid 2462 with glycine.
Molecular consequence: missense variant.
Genome position (GRCh38, 1-based): chr21:46,427,686, A>G. VCF-style: chr21-46427686-A-G. GRCh37 (hg19) VCF-style: chr21-47847600-A-G.
Other names: c.7031A>G, p.Glu2344Gly (NM_001315529.2); short protein forms E2344G, E2462G.
Identifiers: ClinVar variation 3348915 (VCV003348915.1).

ClinVar aggregate classification (germline): Uncertain significance (0 of 4 stars; one submission).

Conditions:
PCNT-related disorder. Also called: PCNT-related condition.

Submission:

PreventionGenetics, part of Exact Sciences
Classification: Uncertain significance for PCNT-related condition. Last evaluated: 2023-11-22. Review status: no assertion criteria provided. Collection method: clinical testing. Allele origin: germline.
Comment: The PCNT c.7385A>G variant is predicted to result in the amino acid substitution p.Glu2462Gly. To our knowledge, this variant has not been reported in the literature or in a large population database, indicating this variant is rare. At this time, the clinical significance of this variant is uncertain due to the absence of conclusive functional and genetic evidence.